The following is an entry in ClinVar:

ClinVar aggregate classification (germline): Pathogenic (1 of 4 stars; one submission).

Conditions:
Breast-ovarian cancer, familial, susceptibility to, 2 (BROVCA2). Also called: BRCA2 Hereditary Breast and Ovarian Cancer. Identifiers: Orphanet 145, MedGen C2675520, MONDO:0012933, OMIM 612555. Disease mechanism: loss of function.

Submission:

Myriad Genetics, Inc.
Classification: Pathogenic for Breast-ovarian cancer, familial, susceptibility to, 2. Last evaluated: 2025-10-30. Review status: criteria provided, single submitter. Criteria: Myriad Autosomal Dominant, Autosomal Recessive and X-Linked Classification Criteria (2023). Collection method: clinical testing. Allele origin: unknown.
Comment: This variant is considered pathogenic. This variant creates a frameshift predicted to result in premature protein truncation.

NM_000059.4(BRCA2):c.3344_3350del (p.Ser1115fs)

Gene: BRCA2 (BRCA2 DNA repair associated; plus strand). Cytogenetic location: 13q13.1.
Variant type: Deletion.
Coding change: c.3344_3350del on transcript NM_000059.4 (MANE Select); coding-DNA positions 3344 to 3350, 7 bases deleted (CTACTAT; older notation c.3344_3350delCTACTAT).
Protein change: p.Ser1115fs; shifts the reading frame from serine 1115.
Molecular consequence: frameshift variant. On other transcripts: non-coding transcript variant (1), intron variant (2).
Genome position (GRCh38, 1-based): chr13:32,337,699-32,337,705, CTACTAT deleted; deleting any 7 consecutive bases within chr13:32,337,698-32,337,705 gives the same sequence; the c. name uses the placement nearest the transcript's 3' end. VCF-style (leftmost placement, unchanged base first): chr13-32337697-TTCTACTA-T. GRCh37 (hg19) VCF-style: chr13-32911834-TTCTACTA-T.
Other names: c.3344_3350del, p.Ser1115fs (NM_001406719.1, NM_001406720.1, NM_001432077.1); c.1909+4312_1909+4318del (NM_001406721.1); c.424+6669_424+6675del (NM_001406722.1); short protein forms S1115fs.
Identifiers: ClinVar variation 4812983 (VCV004812983.1).